The following is an entry in ClinVar:

ClinVar aggregate classification (germline): Conflicting classifications of pathogenicity. Review status: criteria provided, conflicting classifications (1 of 4 stars). 3 submissions from 3 submitters: Uncertain significance (1); Benign (1). 1 of the submissions does not count toward it. Last evaluated 2024-10-14.

Conditions:
COL6A2-related disorder.
Bethlem myopathy 1A. Also called: Bethlem myopathy 1; MYOPATHY, BENIGN CONGENITAL, WITH CONTRACTURES; Bethlem Muscular Dystrophy. Identifiers: Orphanet 610, MedGen CN029274, MONDO:0024530, OMIM 158810.

Allele frequency attached by ClinVar (database versions not stated): gnomAD exomes 0.00002 and 0.00004; ExAC 0.00004; gnomAD 0.00010 and 0.00011; TOPMed 0.00010; 1000 Genomes Project 30x 0.00016; 1000 Genomes Project 0.00020.
gnomAD v4.1: 49 of 1,607,796 alleles (0.003%); highest among the groups gnomAD compares: African/African-American, 0.035%; no homozygotes.

Submissions (3):

Labcorp Genetics (formerly Invitae), Labcorp
Classification: Benign for Bethlem myopathy 1A. Last evaluated: 2024-10-14. Review status: criteria provided, single submitter. Criteria: Invitae Variant Classification Sherloc (09022015). Collection method: clinical testing. Allele origin: germline.

Eurofins Ntd Llc (ga)
Classification: Uncertain significance. Last evaluated: 2018-05-16. Review status: criteria provided, single submitter. Criteria: EGL ClinVar v180209 classification definitions. Collection method: clinical testing. Allele origin: germline. Observed: 2 variant alleles, 2 heterozygotes.

PreventionGenetics, part of Exact Sciences
Classification: Likely benign for COL6A2-related condition. Last evaluated: 2023-05-09. Review status: no assertion criteria provided. Collection method: clinical testing. Allele origin: germline. Not counted in ClinVar's aggregate classification.
Comment: This variant is classified as likely benign based on ACMG/AMP sequence variant interpretation guidelines (Richards et al. 2015 PMID: 25741868, with internal and published modifications).

NM_001849.4(COL6A2):c.2922G>A (p.Leu974=)

Gene: COL6A2 (collagen type VI alpha 2 chain; plus strand). Cytogenetic location: 21q22.3.
Variant type: single nucleotide variant.
Coding change: c.2922G>A on transcript NM_001849.4 (MANE Select); coding-DNA position 2922, G replaced by A.
Protein change: p.Leu974=; no amino-acid change (leucine 974 retained).
Molecular consequence: synonymous variant.
Genome position (GRCh38, 1-based): chr21:46,132,414, G>A. VCF-style: chr21-46132414-G-A. GRCh37 (hg19) VCF-style: chr21-47552328-G-A.
Identifiers: ClinVar variation 285578 (VCV000285578.16), dbSNP rs556385546, ClinGen allele CA10073096.